The following is an entry in ClinVar:

ClinVar aggregate classification (germline): Pathogenic (1 of 4 stars; one submission).

Conditions:
Ehlers-Danlos syndrome, classic type, 1 (EDSCL1). Also called: EHLERS-DANLOS SYNDROME, GRAVIS TYPE; EHLERS-DANLOS SYNDROME, SEVERE CLASSIC TYPE; Ehlers-Danlos syndrome, type 1; Ehlers-Danlos Syndrome, Classic Type, COL5A1-Related; EDS I. Identifiers: MedGen C0268335, MONDO:0019567, OMIM 130000.
Osteogenesis imperfecta type I (OI1). Also called: OI, TYPE I; OSTEOGENESIS IMPERFECTA TARDA; OSTEOGENESIS IMPERFECTA WITH BLUE SCLERAE; Osteogenesis imperfecta type 1; Lobstein's Disease; Lobstein disease. Identifiers: Orphanet 216796, Orphanet 666, MedGen C0023931, MONDO:0008146, OMIM 166200. Disease mechanism: loss of function.

Submission:

Labcorp Genetics (formerly Invitae), Labcorp
Classification: Pathogenic for Osteogenesis imperfecta type I; Ehlers-Danlos syndrome, classic type, 1. Last evaluated: 2025-01-26. Review status: criteria provided, single submitter. Criteria: Invitae Variant Classification Sherloc (09022015). Collection method: clinical testing. Allele origin: germline.
Comment: This sequence change creates a premature translational stop signal (p.Lys1157Argfs*10) in the COL1A2 gene. It is expected to result in an absent or disrupted protein product. Loss-of-function variants in COL1A2 are known to be pathogenic (PMID: 11288717, 15077201). This variant is not present in population databases (gnomAD no frequency). This variant has not been reported in the literature in individuals affected with COL1A2-related conditions. For these reasons, this variant has been classified as Pathogenic.

Literature cited by the submitters: PubMed 11288717; PubMed 15077201.

NM_000089.4(COL1A2):c.3470del (p.Lys1157fs)

Gene: COL1A2 (collagen type I alpha 2 chain; plus strand). Cytogenetic location: 7q21.3.
Variant type: Deletion.
Coding change: c.3470del on transcript NM_000089.4 (MANE Select); coding-DNA position 3470, one base deleted (A; older notation c.3470delA).
Protein change: p.Lys1157fs; shifts the reading frame from lysine 1157.
Molecular consequence: frameshift variant.
Genome position (GRCh38, 1-based): chr7:94,427,829, A deleted; the last of 3 consecutive A bases (chr7:94,427,827-94,427,829); deleting any one gives the same sequence. VCF-style (leftmost placement, unchanged base first): chr7-94427826-GA-G. GRCh37 (hg19) VCF-style: chr7-94057138-GA-G.
Other names: short protein forms K1157fs.
Identifiers: ClinVar variation 3760438 (VCV003760438.2).